The following is an entry in ClinVar:

NM_001267550.2(TTN):c.103840C>G (p.Gln34614Glu)

Genes: TTN-AS1 (TTN antisense RNA 1; plus strand), TTN (titin; minus strand). Cytogenetic location: 2q31.2.
Variant type: single nucleotide variant.
Coding change: c.103840C>G on transcript NM_001267550.2 (MANE Select); coding-DNA position 103840, C replaced by G.
Protein change: p.Gln34614Glu; replaces glutamine 34614 with glutamic acid.
Molecular consequence: missense variant.
Genome position (GRCh38, 1-based): chr2:178,532,775, G>C on the plus strand (C>G on the coding strand, the complement: TTN is on the minus strand). VCF-style: chr2-178532775-G-C. GRCh37 (hg19) VCF-style: chr2-179397502-G-C.
Other names: c.98917C>G, p.Gln32973Glu (NM_001256850.1); c.76645C>G, p.Gln25549Glu (NM_003319.4); c.96136C>G, p.Gln32046Glu (NM_133378.4); c.77020C>G, p.Gln25674Glu (NM_133432.3); c.77221C>G, p.Gln25741Glu (NM_133437.4); short protein forms Q25674E, Q25741E, Q32973E, Q34614E, Q25549E, Q32046E.
Identifiers: ClinVar variation 1394781 (VCV001394781.6), dbSNP rs2154134587, ClinGen allele CA349413385.
Genomic context (GRCh38, chr2:178,532,775, plus strand): 5'-GTCTCACTATCTCAAGATCATCTTGGGACAGTTTAGGAATACGCCATTTAGGTCTGTATT[G>C]ATCTGTAATGCGTGGAAGAGGCATCACATAGAACTGTTCCCATCTTGAAAGGCGGATGCG-3'
Protein context (NP_001254479.2, residues 34604-34624): YVMPLPRITD[Gln34614Glu]YRPKWRIPKL

ClinVar aggregate classification (germline): Uncertain significance (1 of 4 stars; one submission).

Conditions:
Dilated cardiomyopathy 1G (CMD1G). Identifiers: Orphanet 154, MedGen C1858763, MONDO:0011400, OMIM 604145.
Autosomal recessive limb-girdle muscular dystrophy type 2J (LGMDR10). Also called: Limb-girdle muscular dystrophy, type 2J; MUSCULAR DYSTROPHY, LIMB-GIRDLE, AUTOSOMAL RECESSIVE 10. Identifiers: Orphanet 140922, MedGen C1837342, MONDO:0012127, OMIM 608807.

Submission:

Labcorp Genetics (formerly Invitae), Labcorp
Classification: Uncertain significance for Dilated cardiomyopathy 1G; Autosomal recessive limb-girdle muscular dystrophy type 2J. Last evaluated: 2021-11-23. Review status: criteria provided, single submitter. Criteria: Invitae Variant Classification Sherloc (09022015). Collection method: clinical testing. Allele origin: germline.
Comment: This sequence change replaces glutamine, which is neutral and polar, with glutamic acid, which is acidic and polar, at codon 34614 of the TTN protein (p.Gln34614Glu). This variant is not present in population databases (gnomAD no frequency). This variant has not been reported in the literature in individuals affected with TTN-related conditions. Experimental studies and prediction algorithms are not available or were not evaluated, and the functional significance of this variant is currently unknown. In summary, the available evidence is currently insufficient to determine the role of this variant in disease. Therefore, it has been classified as a Variant of Uncertain Significance. This variant is located in the M band of TTN (PMID: 25589632). Variants in this region may be relevant for neuromuscular disorders, but have not been definitively shown to cause cardiomyopathy (PMID: 23975875).

Literature cited by the submitters: PubMed 25589632; PubMed 23975875.